The following is an entry in ClinVar:

ClinVar aggregate classification (germline): Uncertain significance (1 of 4 stars; one submission).

Submission:

Labcorp Genetics (formerly Invitae), Labcorp
Classification: Uncertain significance. Last evaluated: 2021-05-30. Review status: criteria provided, single submitter. Criteria: Invitae Variant Classification Sherloc (09022015). Collection method: clinical testing. Allele origin: germline.
Comment: In summary, the available evidence is currently insufficient to determine the role of this variant in disease. Therefore, it has been classified as a Variant of Uncertain Significance. Algorithms developed to predict the effect of missense changes on protein structure and function are either unavailable or do not agree on the potential impact of this missense change (SIFT: "Deleterious"; PolyPhen-2: "Probably Damaging"; Align-GVGD: "Class C0"). This variant has not been reported in the literature in individuals with SPEG-related conditions. This variant is not present in population databases (ExAC no frequency). This sequence change replaces glutamic acid with aspartic acid at codon 1178 of the SPEG protein (p.Glu1178Asp). The glutamic acid residue is highly conserved and there is a small physicochemical difference between glutamic acid and aspartic acid.

NM_005876.5(SPEG):c.3534G>C (p.Glu1178Asp)

Gene: SPEG (striated muscle enriched protein kinase; plus strand). Cytogenetic location: 2q35.
Variant type: single nucleotide variant.
Coding change: c.3534G>C on transcript NM_005876.5 (MANE Select); coding-DNA position 3534, G replaced by C.
Protein change: p.Glu1178Asp; replaces glutamic acid 1178 with aspartic acid.
Molecular consequence: missense variant.
Genome position (GRCh38, 1-based): chr2:219,469,198, G>C. VCF-style: chr2-219469198-G-C. GRCh37 (hg19) VCF-style: chr2-220333920-G-C.
Other names: short protein forms E1178D.
Identifiers: ClinVar variation 1489809 (VCV001489809.8), dbSNP rs757589345, ClinGen allele CA66017789.